The following is an entry in ClinVar:

NM_004327.4(BCR):c.2708-69A>G

Genes: BCR (BCR activator of RhoGEF and GTPase; plus strand), LOC107963955 (BCR-ABL major-breakpoint cluster region; plus strand). Cytogenetic location: 22q11.23.
Variant type: single nucleotide variant.
Coding change: c.2708-69A>G on transcript NM_004327.4 (MANE Select); 69 bases into the intron before coding-DNA position 2708, A replaced by G.
Molecular consequence: intron variant.
Genome position (GRCh38, 1-based): chr22:23,290,270, A>G. VCF-style: chr22-23290270-A-G. GRCh37 (hg19) VCF-style: chr22-23632457-A-G.
Other names: c.2708-69A>G (NM_021574.3).
Identifiers: ClinVar variation 2652960 (VCV002652960.24), dbSNP rs16999170, ClinGen allele CA322500890.

ClinVar aggregate classification (germline): Likely benign (1 of 4 stars; one submission).

Allele frequency attached by ClinVar (database versions not stated): gnomAD exomes 0.00028; gnomAD 0.00281; 1000 Genomes Project 0.00300; TOPMed 0.00350.
gnomAD v4.1: 826 of 1,480,510 alleles (0.056%); highest among the groups gnomAD compares: African/African-American, 0.88%; 5 homozygotes.

Submission:

CeGaT Center for Human Genetics Tuebingen
Classification: Likely benign. Last evaluated: 2023-01-01. Review status: criteria provided, single submitter. Criteria: CeGaT Center For Human Genetics Tuebingen Variant Classification Criteria Version 2. Collection method: clinical testing. Allele origin: germline. Affected: yes. Observed: 1 variant allele.
Comment: BCR: BS2